The following is an entry in ClinVar:

NM_001012759.3(CTU2):c.344-113G>A

Gene: CTU2 (cytosolic thiouridylase subunit 2; plus strand). Cytogenetic location: 16q24.3.
Variant type: single nucleotide variant.
Coding change: c.344-113G>A on transcript NM_001012759.3 (MANE Select); 113 bases into the intron before coding-DNA position 344, G replaced by A.
Molecular consequence: intron variant. On other transcripts: synonymous variant (1).
Genome position (GRCh38, 1-based): chr16:88,712,161, G>A. VCF-style: chr16-88712161-G-A. GRCh37 (hg19) VCF-style: chr16-88778569-G-A.
Other names: c.444G>A, p.Lys148= (NM_001318507.2); c.344-113G>A (NM_001012762.3); c.83-113G>A (NM_001318513.2).
Identifiers: ClinVar variation 4533714 (VCV004533714.6).
Genomic context (GRCh38, chr16:88,712,161, plus strand): 5'-CGCAAGAGAGAAACCCCTGCCCAAAGGAAAATGGCCGACACCCCACAGCTCCGCCAGGAA[G>A]CACCGCCCTGCGGAGCGAGGCCTCGAAGGGTTTTCCCAGGTGGAGGTGGCCCTGCAGCCT-3'

ClinVar aggregate classification (germline): Likely benign (1 of 4 stars; one submission).

gnomAD v4.1: 371 of 911,464 alleles (0.041%); highest among the groups gnomAD compares: Non-Finnish European, 0.062%; no homozygotes.

Submission:

CeGaT Center for Human Genetics Tuebingen
Classification: Likely benign. Last evaluated: 2025-10-01. Review status: criteria provided, single submitter. Criteria: CeGaT Center For Human Genetics Tuebingen Variant Classification Criteria Version 2. Collection method: clinical testing. Allele origin: germline. Affected: yes. Observed: 1 variant allele.
Comment: CTU2: BP4, BP7